The following is an entry in ClinVar:

ClinVar aggregate classification (germline): Uncertain significance (1 of 4 stars; one submission).

Conditions:
Alstrom syndrome (ALMS). Identifiers: Orphanet 64, MedGen C0268425, MONDO:0008763, OMIM 203800.

gnomAD v4.1: 1 of 1,613,984 alleles (0.000062%); highest among the groups gnomAD compares: Non-Finnish European, 0.000085%; no homozygotes.

Submission:

Labcorp Genetics (formerly Invitae), Labcorp
Classification: Uncertain significance for Alstrom syndrome. Last evaluated: 2024-04-29. Review status: criteria provided, single submitter. Criteria: Invitae Variant Classification Sherloc (09022015). Collection method: clinical testing. Allele origin: germline.
Comment: This sequence change replaces serine, which is neutral and polar, with glycine, which is neutral and non-polar, at codon 1683 of the ALMS1 protein (p.Ser1683Gly). This variant is not present in population databases (gnomAD no frequency). This variant has not been reported in the literature in individuals affected with ALMS1-related conditions. Experimental studies and prediction algorithms are not available or were not evaluated, and the functional significance of this variant is currently unknown. In summary, the available evidence is currently insufficient to determine the role of this variant in disease. Therefore, it has been classified as a Variant of Uncertain Significance.

NM_001378454.1(ALMS1):c.5044A>G (p.Ser1682Gly)

Gene: ALMS1 (ALMS1 centrosome and basal body associated protein; plus strand). Cytogenetic location: 2p13.1.
Variant type: single nucleotide variant.
Coding change: c.5044A>G on transcript NM_001378454.1 (MANE Select); coding-DNA position 5044, A replaced by G.
Protein change: p.Ser1682Gly; replaces serine 1682 with glycine.
Molecular consequence: missense variant.
Genome position (GRCh38, 1-based): chr2:73,451,571, A>G. VCF-style: chr2-73451571-A-G. GRCh37 (hg19) VCF-style: chr2-73678698-A-G.
Other names: c.5047A>G, p.Ser1683Gly (NM_015120.4); short protein forms S1682G, S1683G.
Identifiers: ClinVar variation 3666563 (VCV003666563.1).